The following is an entry in ClinVar:

ClinVar aggregate classification (germline): Uncertain significance. Review status: criteria provided, multiple submitters, no conflicts (2 of 4 stars). 2 submissions from 2 submitters: Uncertain significance (2). Last evaluated 2022-10-04.

Conditions:
Familial adenomatous polyposis 1 (FAP1). Also called: POLYPOSIS, ADENOMATOUS INTESTINAL; FAMILIAL ADENOMATOUS POLYPOSIS 1, ATTENUATED. Identifiers: MedGen C2713442, MONDO:0021056, OMIM 175100. Disease mechanism: loss of function.
Hereditary cancer-predisposing syndrome. Also called: Hereditary neoplastic syndrome; Neoplastic Syndromes, Hereditary; Tumor predisposition; Hereditary Cancer Syndrome. Identifiers: Orphanet 140162, MedGen C0027672, MeSH D009386, MONDO:0015356.

Submissions (2):

Labcorp Genetics (formerly Invitae), Labcorp
Classification: Uncertain significance for Familial adenomatous polyposis 1. Last evaluated: 2022-10-04. Review status: criteria provided, single submitter. Criteria: Invitae Variant Classification Sherloc (09022015). Collection method: clinical testing. Allele origin: germline.
Comment: This sequence change replaces serine, which is neutral and polar, with glycine, which is neutral and non-polar, at codon 296 of the APC protein (p.Ser296Gly). This variant is not present in population databases (gnomAD no frequency). This variant has not been reported in the literature in individuals affected with APC-related conditions. ClinVar contains an entry for this variant (Variation ID: 835202). Advanced modeling of protein sequence and biophysical properties (such as structural, functional, and spatial information, amino acid conservation, physicochemical variation, residue mobility, and thermodynamic stability) performed at Invitae indicates that this missense variant is not expected to disrupt APC protein function. In summary, the available evidence is currently insufficient to determine the role of this variant in disease. Therefore, it has been classified as a Variant of Uncertain Significance.

Ambry Genetics
Classification: Uncertain significance for Hereditary cancer-predisposing syndrome. Last evaluated: 2022-08-05. Review status: criteria provided, single submitter. Criteria: Ambry Variant Classification Scheme 2023. Collection method: clinical testing. Allele origin: germline.
Comment: The p.S296G variant (also known as c.886A>G), located in coding exon 8 of the APC gene, results from an A to G substitution at nucleotide position 886. The serine at codon 296 is replaced by glycine, an amino acid with similar properties. This amino acid position is conserved. In addition, in silico predictors for this gene do not accurately predict pathogenicity. Since supporting evidence is limited at this time, the clinical significance of this alteration remains unclear.

NM_000038.6(APC):c.886A>G (p.Ser296Gly)

Gene: APC (APC regulator of Wnt signaling pathway; plus strand). Cytogenetic location: 5q22.2.
Variant type: single nucleotide variant.
Coding change: c.886A>G on transcript NM_000038.6 (MANE Select); coding-DNA position 886, A replaced by G.
Protein change: p.Ser296Gly; replaces serine 296 with glycine.
Molecular consequence: missense variant.
Genome position (GRCh38, 1-based): chr5:112,815,546, A>G. VCF-style: chr5-112815546-A-G. GRCh37 (hg19) VCF-style: chr5-112151243-A-G.
Other names: c.886A>G, p.Ser296Gly (NM_001127510.3, NM_001354895.2, NM_001354896.2 and 1 more transcripts); c.832A>G, p.Ser278Gly (NM_001127511.3); c.916A>G, p.Ser306Gly (NM_001354897.2, NM_001354902.2); c.811A>G, p.Ser271Gly (NM_001354898.2, NM_001354904.2); c.802A>G, p.Ser268Gly (NM_001354899.2); c.709A>G, p.Ser237Gly (NM_001354900.2, NM_001354901.2, NM_001354905.2); c.37A>G, p.Ser13Gly (NM_001354906.2); short protein forms S271G, S296G, S13G, S237G, S268G, S278G, S306G.
Identifiers: ClinVar variation 835202 (VCV000835202.13), dbSNP rs1762420653, ClinGen allele CA16023255.
Genomic context (GRCh38, chr5:112,815,546, plus strand): 5'-AATTTTTAGGGTTCAACTACACGAATGGACCATGAAACAGCCAGTGTTTTGAGTTCTAGT[A>G]GCACACACTCTGCACCTCGAAGGCTGACAAGTCATCTGGGAACCAAGGTAACAGAAGATT-3'
Protein context (NP_000029.2, residues 286-306): HETASVLSSS[Ser296Gly]THSAPRRLTS